The following is an entry in ClinVar:

ClinVar aggregate classification (germline): Uncertain significance (1 of 4 stars; one submission).

Submission:

GeneDx
Classification: Uncertain significance. Last evaluated: 2026-02-19. Review status: criteria provided, single submitter. Criteria: GeneDx Variant Classification Process June 2021. Collection method: clinical testing. Allele origin: germline.
Comment: Not observed at significant frequency in large population cohorts (gnomAD); In silico analysis supports that this missense variant has a deleterious effect on protein structure/function; Has not been previously published as pathogenic or benign to our knowledge

NM_001321075.3(DLG4):c.1217A>G (p.Asp406Gly)

Genes: DLG4 (discs large MAGUK scaffold protein 4; minus strand), LOC126862479 (MED14-independent group 3 enhancer GRCh37_chr17:7099412-7100611; plus strand). Cytogenetic location: 17p13.1.
Variant type: single nucleotide variant.
Coding change: c.1217A>G on transcript NM_001321075.3 (MANE Select); coding-DNA position 1217, A replaced by G.
Protein change: p.Asp406Gly; replaces aspartic acid 406 with glycine.
Molecular consequence: missense variant. On other transcripts: non-coding transcript variant (1).
Genome position (GRCh38, 1-based): chr17:7,196,304, T>C on the plus strand (A>G on the coding strand, the complement: DLG4 is on the minus strand). VCF-style: chr17-7196304-T-C. GRCh37 (hg19) VCF-style: chr17-7099623-T-C.
Other names: c.1208A>G, p.Asp403Gly (NM_001128827.4); c.1337A>G, p.Asp446Gly (NM_001321074.1); c.1037A>G, p.Asp346Gly (NM_001321076.3, NM_001321077.3); c.1346A>G, p.Asp449Gly (NM_001365.5); c.1136A>G, p.Asp379Gly (NM_001369566.3); short protein forms D346G, D449G, D379G, D446G, D403G, D406G.
Identifiers: ClinVar variation 5008872 (VCV005008872.1).